The following is an entry in ClinVar:

ClinVar aggregate classification (germline): Uncertain significance (1 of 4 stars; one submission).

Submission:

Labcorp Genetics (formerly Invitae), Labcorp
Classification: Uncertain significance. Last evaluated: 2025-05-27. Review status: criteria provided, single submitter. Criteria: Invitae Variant Classification Sherloc (09022015). Collection method: clinical testing. Allele origin: germline.
Comment: This sequence change replaces serine, which is neutral and polar, with asparagine, which is neutral and polar, at codon 914 of the PCARE protein (p.Ser914Asn). This variant is not present in population databases (gnomAD no frequency). This variant has not been reported in the literature in individuals affected with PCARE-related conditions. ClinVar contains an entry for this variant (Variation ID: 1519333). An algorithm developed to predict the effect of missense changes on protein structure and function (PolyPhen-2) suggests that this variant is likely to be tolerated. In summary, the available evidence is currently insufficient to determine the role of this variant in disease. Therefore, it has been classified as a Variant of Uncertain Significance.

NM_001029883.3(PCARE):c.2741G>A (p.Ser914Asn)

Gene: PCARE (photoreceptor cilium actin regulator; minus strand). Cytogenetic location: 2p23.2.
Variant type: single nucleotide variant.
Coding change: c.2741G>A on transcript NM_001029883.3 (MANE Select); coding-DNA position 2741, G replaced by A.
Protein change: p.Ser914Asn; replaces serine 914 with asparagine.
Molecular consequence: missense variant.
Genome position (GRCh38, 1-based): chr2:29,071,521, C>T on the plus strand (G>A on the coding strand, the complement: PCARE is on the minus strand). VCF-style: chr2-29071521-C-T. GRCh37 (hg19) VCF-style: chr2-29294387-C-T.
Other names: short protein forms S914N.
Identifiers: ClinVar variation 1519333 (VCV001519333.6), dbSNP rs757263701, ClinGen allele CA346476533.